The following is an entry in ClinVar:

ClinVar aggregate classification (germline): Benign (1 of 4 stars; one submission).

Conditions:
Agenesis of the corpus callosum with peripheral neuropathy (ACCPN). Also called: CHARLEVOIX DISEASE; POLYNEUROPATHY, SENSORIMOTOR, WITH OR WITHOUT AGENESIS OF THE CORPUS CALLOSUM; HMSN/ACC; Hereditary Motor and Sensory Neuropathy with Agenesis of the Corpus Callosum. Identifiers: Orphanet 1496, MedGen C0795950, MONDO:0000902, OMIM 218000. Disease mechanism: loss of function.

Allele frequency attached by ClinVar (database versions not stated): gnomAD exomes 0.00330; gnomAD 0.02482 and 0.02645; TOPMed 0.02832; 1000 Genomes Project 0.03235; 1000 Genomes Project 30x 0.03607.
gnomAD v4.1: 3,808 of 171,338 alleles (2.2%); highest among the groups gnomAD compares: African/African-American, 8.6%; 155 homozygotes.

Submission:

Illumina Laboratory Services, Illumina
Classification: Benign for Agenesis of the corpus callosum with peripheral neuropathy. Last evaluated: 2018-01-13. Review status: criteria provided, single submitter. Criteria: ICSL Variant Classification Criteria 13 December 2019. Collection method: clinical testing. Allele origin: germline.
Comment: This variant was observed in the ICSL laboratory as part of a predisposition screen in an ostensibly healthy population. It had not been previously curated by ICSL or reported in the Human Gene Mutation Database (HGMD: prior to June 1st, 2018), and was therefore a candidate for classification through an automated scoring system. Utilizing variant allele frequency, disease prevalence and penetrance estimates, and inheritance mode, an automated score was calculated to assess if this variant is too frequent to cause the disease. Based on the score and internal cut-off values, a variant classified as benign is not then subjected to further curation. The score for this variant resulted in a classification of benign for this disease.

NM_001365088.1(SLC12A6):c.*3668T>A

Gene: SLC12A6 (solute carrier family 12 member 6; minus strand). Cytogenetic location: 15q14.
Variant type: single nucleotide variant.
Coding change: c.*3668T>A on transcript NM_001365088.1 (MANE Select); 3668 bases downstream of the stop codon, T replaced by A.
Molecular consequence: 3 prime UTR variant.
Genome position (GRCh38, 1-based): chr15:34,230,213, A>T on the plus strand (T>A on the coding strand, the complement: SLC12A6 is on the minus strand). VCF-style: chr15-34230213-A-T. GRCh37 (hg19) VCF-style: chr15-34522414-A-T.
Other names: c.*3668T>A (NM_001042494.2, NM_001042495.2, NM_001042496.2 and 3 more transcripts).
Identifiers: ClinVar variation 315545 (VCV000315545.5), dbSNP rs11544435, ClinGen allele CA10646755.
Genomic context (GRCh38, chr15:34,230,213, plus strand): 5'-AAAAGTTGCACAAGTTCCTTATTTTCCTTAATATTTCACTTCTATTTAATACAAGCTGGG[A>T]CATAAAAATTCTGTTGGGGATACCTGGGGGAAGATGTGAGAAACTAATGCTGAATTCAGC-3'